The following is an entry in ClinVar:

ClinVar aggregate classification (germline): Uncertain significance. Review status: criteria provided, multiple submitters, no conflicts (2 of 4 stars). 2 submissions from 2 submitters: Uncertain significance (2). Last evaluated 2026-08-18.

Submissions (2):

Ambry Genetics
Classification: Uncertain significance. Last evaluated: 2026-08-18. Review status: criteria provided, single submitter. Criteria: Ambry Variant Classification Scheme 2023. Collection method: clinical testing. Allele origin: germline.

Labcorp Genetics (formerly Invitae), Labcorp
Classification: Uncertain significance. Last evaluated: 2024-07-07. Review status: criteria provided, single submitter. Criteria: Invitae Variant Classification Sherloc (09022015). Collection method: clinical testing. Allele origin: germline.
Comment: This sequence change replaces serine, which is neutral and polar, with asparagine, which is neutral and polar, at codon 63 of the FSCN2 protein (p.Ser63Asn). This variant is not present in population databases (gnomAD no frequency). This variant has not been reported in the literature in individuals affected with FSCN2-related conditions. An algorithm developed to predict the effect of missense changes on protein structure and function (PolyPhen-2) suggests that this variant is likely to be tolerated. In summary, the available evidence is currently insufficient to determine the role of this variant in disease. Therefore, it has been classified as a Variant of Uncertain Significance.

NM_012418.4(FSCN2):c.188G>A (p.Ser63Asn)

Gene: FSCN2 (fascin actin-bundling protein 2, retinal; plus strand). Cytogenetic location: 17q25.3.
Variant type: single nucleotide variant.
Coding change: c.188G>A on transcript NM_012418.4 (MANE Select); coding-DNA position 188, G replaced by A.
Protein change: p.Ser63Asn; replaces serine 63 with asparagine.
Molecular consequence: missense variant.
Genome position (GRCh38, 1-based): chr17:81,528,719, G>A. VCF-style: chr17-81528719-G-A. GRCh37 (hg19) VCF-style: chr17-79495745-G-A.
Other names: c.188G>A (NM_001077182.2); c.188G>A, p.Ser63Asn (NM_001077182.3); short protein forms S63N.
Identifiers: ClinVar variation 2786620 (VCV002786620.4), dbSNP rs2032434467, ClinGen allele CA401470163.
Genomic context (GRCh38, chr17:81,528,719, plus strand): 5'-AGCAGACCTGGGTGCTGGAACCCGACCCAGGACAAGGCACGGCTGTGCTGCTCCGCAGCA[G>A]CCACCTGGGCCGCTACCTGTCGGCAGAAGAGGACGGGCGCGTGGCCTGTGAGGCAGAGCA-3'
Protein context (NP_036550.1, residues 53-73): GQGTAVLLRS[Ser63Asn]HLGRYLSAEE